The following is an entry in ClinVar:

NM_021830.5(TWNK):c.1519G>A (p.Val507Ile)

Gene: TWNK (twinkle mtDNA helicase; plus strand). Cytogenetic location: 10q24.31.
Variant type: single nucleotide variant.
Coding change: c.1519G>A on transcript NM_021830.5 (MANE Select); coding-DNA position 1519, G replaced by A.
Protein change: p.Val507Ile; replaces valine 507 with isoleucine.
Molecular consequence: missense variant. On other transcripts: non-coding transcript variant (5).
Genome position (GRCh38, 1-based): chr10:100,990,470, G>A. VCF-style: chr10-100990470-G-A. GRCh37 (hg19) VCF-style: chr10-102750227-G-A.
Other names: c.1519G>A, p.Val507Ile (NM_001163812.2); c.157G>A, p.Val53Ile (NM_001163813.2, NM_001163814.2, NM_001368275.1); short protein forms V507I, V53I.
Identifiers: ClinVar variation 162051 (VCV000162051.11), dbSNP rs369588002, ClinGen allele CA174965.

ClinVar aggregate classification (germline): Conflicting classifications of pathogenicity. Review status: criteria provided, conflicting classifications (1 of 4 stars). 7 submissions from 7 submitters: Likely pathogenic (2); Uncertain significance (3). 2 of the submissions do not count toward it. Last evaluated 2025-11-06.

Conditions:
Perrault syndrome 5 (PRLTS5). Identifiers: Orphanet 2855, MedGen C4015307, MONDO:0014504, OMIM 616138.
Perrault syndrome. Also called: Gonadal dysgenesis with auditory dysfunction, autosomal recessive inheritance. Identifiers: Orphanet 2855, MedGen C0685838, MONDO:0017312.

Allele frequency attached by ClinVar (database versions not stated): TOPMed below 0.00001; ExAC 0.00001; 1000 Genomes Project 30x 0.00016; gnomAD 0.00001 and 0.00002; gnomAD exomes 0.00001 and 0.00002; ESP Exome Variant Server 0.00008; 1000 Genomes Project 0.00020.
gnomAD v4.1: 20 of 1,614,120 alleles (0.0012%); highest among the groups gnomAD compares: Middle Eastern, 0.033%; no homozygotes.

Submissions (7):

Women's Health and Genetics/Laboratory Corporation of America, LabCorp
Classification: Uncertain significance. Last evaluated: 2025-11-06. Review status: criteria provided, single submitter. Criteria: LabCorp Variant Classification Summary - May 2015. Collection method: clinical testing. Allele origin: germline.
Comment: Variant summary: TWNK c.1519G>A (p.Val507Ile) results in a conservative amino acid change located in the DNA helicase, DnaB-like, C-terminal domain (IPR007694) of the encoded protein sequence. Algorithms developed to predict the effect of missense changes on protein structure and function are either unavailable or do not agree on the potential impact of this missense change. The variant allele was found at a frequency of 2e-05 in 251486 control chromosomes. c.1519G>A has been reported in the literature in individuals affected with clinical features of autosomal recessive Perrault syndrome and the variant co-segregated with the disease in at least 1 family (Morino_2014, Gotta_2020). These data indicate that the variant may be associated with disease. To our knowledge, no experimental evidence demonstrating an impact on protein function has been reported. The following publications have been ascertained in the context of this evaluation (PMID: 31455392, 32281099, 32234020, 25355836, 28178980, 27551684, 35035228, 37932750, 34338890, 39095891, 34426522, 35914129, 36838782, 26243799, 36400570, 32283748, 27650058). ClinVar contains an entry for this variant (Variation ID: 162051). Based on the evidence outlined above, the variant was classified as VUS-possibly pathogenic.

Revvity Omics, Revvity
Classification: Likely pathogenic. Last evaluated: 2025-03-05. Review status: criteria provided, single submitter. Criteria: ACMG Guidelines, 2015. Collection method: clinical testing. Allele origin: germline.

Department of Human Genetics, Hannover Medical School
Classification: Likely pathogenic for Perrault syndrome 5. Last evaluated: 2024-07-22. Review status: criteria provided, single submitter. Criteria: ACMG Guidelines, 2015. Collection method: clinical testing. Allele origin: germline. Affected: yes.

Labcorp Genetics (formerly Invitae), Labcorp
Classification: Uncertain significance. Last evaluated: 2023-11-18. Review status: criteria provided, single submitter. Criteria: Invitae Variant Classification Sherloc (09022015). Collection method: clinical testing. Allele origin: germline.
Comment: This sequence change replaces valine, which is neutral and non-polar, with isoleucine, which is neutral and non-polar, at codon 507 of the TWNK protein (p.Val507Ile). This variant is present in population databases (rs369588002, gnomAD 0.01%). This missense change has been observed in individuals with Perrault syndrome (PMID: 25355836, 32281099). It has also been observed to segregate with disease in related individuals. ClinVar contains an entry for this variant (Variation ID: 162051). Advanced modeling of protein sequence and biophysical properties (such as structural, functional, and spatial information, amino acid conservation, physicochemical variation, residue mobility, and thermodynamic stability) has been performed at Invitae for this missense variant, however the output from this modeling did not meet the statistical confidence thresholds required to predict the impact of this variant on TWNK protein function. In summary, the available evidence is currently insufficient to determine the role of this variant in disease. Therefore, it has been classified as a Variant of Uncertain Significance.

GeneDx
Classification: Uncertain significance. Last evaluated: 2017-08-29. Review status: criteria provided, single submitter. Criteria: GeneDx Variant Classification (06012015). Collection method: clinical testing. Allele origin: germline. Affected: yes.
Comment: The V507I variant has previously been reported in two siblings with autosomal recessive Perrault syndrome; these siblings were also compound heterozygous for a second missense variant in C10orf2 and neither variant was identified in these individual's unaffected siblings (Morino et al., 2014). The V507I variant is not observed at a significant frequency in large population cohorts (Lek et al., 2016; 1000 Genomes Consortium et al., 2015; Exome Variant Server). The V507I variant is a conservative amino acid substitution, which is not likely to impact secondary protein structure as these residues share similar properties. This substitution occurs at a position where amino acids with similar properties to Valine are tolerated across species. In silico analysis is inconsistent in its predictions as to whether or not the variant is damaging to the protein structure/function. In summary, based on the currently available information, it is unclear whether this variant is a pathogenic variant or a rare benign variant.

OMIM
Classification: Pathogenic for PERRAULT SYNDROME 5. Last evaluated: 2014-11-25. Review status: no assertion criteria provided. Collection method: literature only. Allele origin: germline. Not counted in ClinVar's aggregate classification.

GeneReviews
No classification provided. Condition: Perrault syndrome. Review status: no classification provided. Collection method: literature only. Allele origin: germline. Not counted in ClinVar's aggregate classification.

Literature cited by the submitters: PubMed 31455392 (cited by Women's Health and Genetics/Laboratory Corporation of America, LabCorp); PubMed 26243799 (cited by Women's Health and Genetics/Laboratory Corporation of America, LabCorp); PubMed 34426522 (cited by Women's Health and Genetics/Laboratory Corporation of America, LabCorp); PubMed 27650058 (cited by Women's Health and Genetics/Laboratory Corporation of America, LabCorp); PubMed 28178980 (cited by Women's Health and Genetics/Laboratory Corporation of America, LabCorp); PubMed 27551684 (cited by Women's Health and Genetics/Laboratory Corporation of America, LabCorp); PubMed 32281099 (cited by Women's Health and Genetics/Laboratory Corporation of America, LabCorp and Labcorp Genetics (formerly Invitae), Labcorp); PubMed 32234020 (cited by Women's Health and Genetics/Laboratory Corporation of America, LabCorp); PubMed 25355836 (cited by 4 submitters); PubMed 35035228 (cited by Women's Health and Genetics/Laboratory Corporation of America, LabCorp); PubMed 36838782 (cited by Women's Health and Genetics/Laboratory Corporation of America, LabCorp); PubMed 32283748 (cited by Women's Health and Genetics/Laboratory Corporation of America, LabCorp); PubMed 36400570 (cited by Women's Health and Genetics/Laboratory Corporation of America, LabCorp); PubMed 35914129 (cited by Women's Health and Genetics/Laboratory Corporation of America, LabCorp); PubMed 39095891 (cited by Women's Health and Genetics/Laboratory Corporation of America, LabCorp); PubMed 37932750 (cited by Women's Health and Genetics/Laboratory Corporation of America, LabCorp); PubMed 34338890 (cited by Women's Health and Genetics/Laboratory Corporation of America, LabCorp).